The following is an entry in ClinVar:

NM_024675.4(PALB2):c.3401C>G (p.Ser1134Cys)

Gene: PALB2 (partner and localizer of BRCA2; minus strand). Cytogenetic location: 16p12.2.
Variant type: single nucleotide variant.
Coding change: c.3401C>G on transcript NM_024675.4 (MANE Select); coding-DNA position 3401, C replaced by G.
Protein change: p.Ser1134Cys; replaces serine 1134 with cysteine.
Molecular consequence: missense variant. On other transcripts: 3 prime UTR variant (5).
Genome position (GRCh38, 1-based): chr16:23,603,619, G>C on the plus strand (C>G on the coding strand, the complement: PALB2 is on the minus strand). VCF-style: chr16-23603619-G-C. GRCh37 (hg19) VCF-style: chr16-23614940-G-C.
Other names: c.*36C>G (NM_001407313.1, NM_001407301.1, NM_001407302.1 and 2 more transcripts); c.935C>G, p.Ser312Cys (NM_001407314.1); c.2516C>G, p.Ser839Cys (NM_001407304.1, NM_001407305.1, NM_001407306.1); c.2354C>G, p.Ser785Cys (NM_001407307.1); c.2279C>G, p.Ser760Cys (NM_001407308.1, NM_001407309.1); c.1613C>G, p.Ser538Cys (NM_001407312.1); c.3329C>G, p.Ser1110Cys (NM_001407297.1); c.3239C>G, p.Ser1080Cys (NM_001407298.1); and 3 more; short protein forms S1041C, S1055C, S1080C, S1110C, S1114C, S1134C, S312C, S538C.
Identifiers: ClinVar variation 3027112 (VCV003027112.22), dbSNP rs2142254621, ClinGen allele CA395138246.
Genomic context (GRCh38, chr16:23,603,619, plus strand): 5'-ACAGGTGGGAGGAGGGCAGTACACTGACCGAGAAGTAAGTCCCAAATGGCAATTGTTCCA[G>C]AAGTCAAGATTGCTGCTGCACAGTGATCTTTCACGTCACCTTCCAGGAACCTGATAGCAT-3'
Protein context (NP_078951.2, residues 1124-1144): KDHCAAAILT[Ser1134Cys]GTIAIWDLLL

ClinVar aggregate classification (germline): Uncertain significance (1 of 4 stars; one submission).

Submission:

CeGaT Center for Human Genetics Tuebingen
Classification: Uncertain significance. Last evaluated: 2024-02-01. Review status: criteria provided, single submitter. Criteria: CeGaT Center For Human Genetics Tuebingen Variant Classification Criteria Version 2. Collection method: clinical testing. Allele origin: germline. Affected: yes. Observed: 1 variant allele.
Comment: PALB2: PM2, PS2:Supporting